The following is an entry in ClinVar:

NM_000214.3(JAG1):c.2840del (p.Lys947fs)

Gene: JAG1 (jagged canonical Notch ligand 1; minus strand). Cytogenetic location: 20p12.2.
Variant type: Deletion.
Coding change: c.2840del on transcript NM_000214.3 (MANE Select); coding-DNA position 2840, one base deleted (A; older notation c.2840delA).
Protein change: p.Lys947fs; shifts the reading frame from lysine 947.
Molecular consequence: frameshift variant.
Genome position (GRCh38, 1-based): chr20:10,641,536, T deleted on the plus strand (A on the coding strand, the reverse complement: JAG1 is on the minus strand); the first of 3 consecutive T bases (chr20:10,641,536-10,641,538); deleting any one gives the same sequence. VCF-style (leftmost placement, unchanged base first): chr20-10641535-CT-C. GRCh37 (hg19) VCF-style: chr20-10622183-CT-C.
Other names: c.2840del, p.Lys947fs (LRG_1191t1); short protein forms K947fs.
Identifiers: ClinVar variation 406870 (VCV000406870.6), dbSNP rs1060501349, ClinGen allele CA16616203.

ClinVar aggregate classification (germline): Pathogenic (1 of 4 stars; one submission).

Conditions:
Alagille syndrome due to a JAG1 point mutation. Also called: JAG1-Related Alagille Syndrome; HEPATIC DUCTULAR HYPOPLASIA, SYNDROMATIC; Alagille Syndrome 1. Identifiers: Orphanet 261619, Orphanet 52, MedGen C1956125, MONDO:0016862, OMIM 118450.

Submission:

Labcorp Genetics (formerly Invitae), Labcorp
Classification: Pathogenic for Alagille syndrome due to a JAG1 point mutation. Last evaluated: 2016-12-13. Review status: criteria provided, single submitter. Criteria: Invitae Variant Classification Sherloc (09022015). Collection method: clinical testing. Allele origin: germline.
Comment: For these reasons, this variant has been classified as Pathogenic. While this particular variant has not been reported in the literature, loss-of-function variants in JAG1 are known to be pathogenic (PMID: 11180599, 12497640). This sequence change deletes 1 nucleotide from exon 23 of the JAG1 mRNA (c.2840delA), causing a frameshift at codon 947. This creates a premature translational stop signal (p.Lys947Serfs*23) and is expected to result in an absent or disrupted protein product.

Literature cited by the submitters: PubMed 11180599; PubMed 12497640.